The following is an entry in ClinVar:

NM_014000.3(VCL):c.2039del (p.Arg680fs)

Gene: VCL (vinculin; plus strand). Cytogenetic location: 10q22.2.
Variant type: Deletion.
Coding change: c.2039del on transcript NM_014000.3 (MANE Select); coding-DNA position 2039, one base deleted (G; older notation c.2039delG).
Protein change: p.Arg680fs; shifts the reading frame from arginine 680.
Molecular consequence: frameshift variant.
Genome position (GRCh38, 1-based): chr10:74,103,836, G deleted. VCF-style (leftmost placement, unchanged base first): chr10-74103835-CG-C. GRCh37 (hg19) VCF-style: chr10-75863593-CG-C.
Other names: c.2039del, p.Arg680fs (NM_003373.4); short protein forms R680fs.
Identifiers: ClinVar variation 3467789 (VCV003467789.2).

ClinVar aggregate classification (germline): Uncertain significance (1 of 4 stars; one submission).

Conditions:
Cardiovascular phenotype. Identifiers: MedGen CN230736.

Submission:

Ambry Genetics
Classification: Uncertain significance for Cardiovascular phenotype. Last evaluated: 2025-10-27. Review status: criteria provided, single submitter. Criteria: Ambry Variant Classification Scheme 2023. Collection method: clinical testing. Allele origin: germline.
Comment: The c.2039delG variant, located in coding exon 15 of the VCL gene, results from a deletion of one nucleotide at nucleotide position 2039, causing a translational frameshift with a predicted alternate stop codon (p.R680Lfs*19). This alteration is expected to result in protein truncation or nonsense-mediated mRNA decay. However, loss of function has not been established as a mechanism of disease. Based on the available evidence, the clinical significance of this alteration remains unclear.